The following is an entry in ClinVar:

ClinVar aggregate classification (germline): Uncertain significance. Review status: criteria provided, multiple submitters, no conflicts (2 of 4 stars). 4 submissions from 4 submitters: Uncertain significance (4). Last evaluated 2025-11-17.

Conditions:
Hereditary cancer-predisposing syndrome. Also called: Tumor predisposition; Hereditary neoplastic syndrome; Hereditary Cancer Syndrome; Neoplastic Syndromes, Hereditary. Identifiers: Orphanet 140162, MedGen C0027672, MeSH D009386, MONDO:0015356.
Retinoblastoma (RB1). Also called: RETINOBLASTOMA, SOMATIC. Identifiers: Orphanet 790, MedGen C0035335, MeSH D012175, MONDO:0008380, OMIM 180200, HP:0009919. Disease mechanism: loss of function. Inheritance: Both sporadic and heritable forms are tested..

Allele frequency attached by ClinVar (database versions not stated): gnomAD exomes below 0.00001; gnomAD 0.00001; TOPMed 0.00001.
gnomAD v4.1: 2 of 1,612,842 alleles (0.00012%); highest among the groups gnomAD compares: Non-Finnish European, 0.00017%; no homozygotes.

Submissions (4):

Labcorp Genetics (formerly Invitae), Labcorp
Classification: Uncertain significance for Retinoblastoma. Last evaluated: 2025-11-17. Review status: criteria provided, single submitter. Criteria: Invitae Variant Classification Sherloc (09022015). Collection method: clinical testing. Allele origin: germline.
Comment: This sequence change replaces threonine, which is neutral and polar, with alanine, which is neutral and non-polar, at codon 142 of the RB1 protein (p.Thr142Ala). This variant is present in population databases (no rsID available, gnomAD 0.007%). This variant has not been reported in the literature in individuals affected with RB1-related conditions. ClinVar contains an entry for this variant (Variation ID: 1052305). Invitae Evidence Modeling of protein sequence and biophysical properties (such as structural, functional, and spatial information, amino acid conservation, physicochemical variation, residue mobility, and thermodynamic stability) indicates that this missense variant is not expected to disrupt RB1 protein function with a negative predictive value of 80%. In summary, the available evidence is currently insufficient to determine the role of this variant in disease. Therefore, it has been classified as a Variant of Uncertain Significance.

Ambry Genetics
Classification: Uncertain significance for Hereditary cancer-predisposing syndrome. Last evaluated: 2023-09-20. Review status: criteria provided, single submitter. Criteria: Ambry Variant Classification Scheme 2023. Collection method: clinical testing. Allele origin: germline.
Comment: The p.T142A variant (also known as c.424A>G), located in coding exon 4 of the RB1 gene, results from an A to G substitution at nucleotide position 424. The threonine at codon 142 is replaced by alanine, an amino acid with similar properties. This amino acid position is highly conserved in available vertebrate species. In addition, this alteration is predicted to be tolerated by in silico analysis. Since supporting evidence is limited at this time, the clinical significance of this alteration remains unclear.

GeneDx
Classification: Uncertain significance. Last evaluated: 2023-07-27. Review status: criteria provided, single submitter. Criteria: GeneDx Variant Classification Process June 2021. Collection method: clinical testing. Allele origin: germline. Affected: yes.
Comment: In silico analysis supports that this missense variant does not alter protein structure/function; Has not been previously published as pathogenic or benign to our knowledge; This variant is associated with the following publications: (PMID: 23516486)

All of Us Research Program, National Institutes of Health
Classification: Uncertain significance for Retinoblastoma. Last evaluated: 2023-04-27. Review status: criteria provided, single submitter. Criteria: ACMG Guidelines, 2015. Collection method: clinical testing. Allele origin: germline. Inheritance: Autosomal dominant inheritance. Observed: 1 variant allele, 1 heterozygote.
Comment: This missense variant replaces threonine with alanine at codon 142 of the RB1 protein. Computational prediction suggests that this variant may not impact protein structure and function (internally defined REVEL score threshold <= 0.5, PMID: 27666373). To our knowledge, functional studies have not been reported for this variant. This variant has not been reported in individuals affected with hereditary cancer in the literature. This variant has been identified in 1/31394 chromosomes in the general population by the Genome Aggregation Database (gnomAD). The available evidence is insufficient to determine the role of this variant in disease conclusively. Therefore, this variant is classified as a Variant of Uncertain Significance.

This study involves interpretation of variants in research participants for the purpose of population health screening. Participant phenotype was not available at the time of variant classification. Additional details can be found in publication PMID: 35346344, PMCID: PMC8962531

NM_000321.3(RB1):c.424A>G (p.Thr142Ala)

Gene: RB1 (RB transcriptional corepressor 1; plus strand). Cytogenetic location: 13q14.2.
Variant type: single nucleotide variant.
Coding change: c.424A>G on transcript NM_000321.3 (MANE Select); coding-DNA position 424, A replaced by G.
Protein change: p.Thr142Ala; replaces threonine 142 with alanine.
Molecular consequence: missense variant.
Genome position (GRCh38, 1-based): chr13:48,345,123, A>G. VCF-style: chr13-48345123-A-G. GRCh37 (hg19) VCF-style: chr13-48919259-A-G.
Other names: short protein forms T142A.
Identifiers: ClinVar variation 1052305 (VCV001052305.11), dbSNP rs1307149332, ClinGen allele CA388252690.